The following is an entry in ClinVar:

NM_014915.3(ANKRD26):c.3990del (p.Glu1330fs)

Gene: ANKRD26 (ankyrin repeat domain 26; minus strand). Cytogenetic location: 10p12.1.
Variant type: Deletion.
Coding change: c.3990del on transcript NM_014915.3 (MANE Select); coding-DNA position 3990, one base deleted (A; older notation c.3990delA).
Protein change: p.Glu1330fs; shifts the reading frame from glutamic acid 1330.
Molecular consequence: frameshift variant.
Genome position (GRCh38, 1-based): chr10:27,024,542, T deleted on the plus strand (A on the coding strand, the reverse complement: ANKRD26 is on the minus strand); the first of 2 consecutive T bases (chr10:27,024,542-27,024,543); deleting either gives the same sequence. VCF-style (leftmost placement, unchanged base first): chr10-27024541-GT-G. GRCh37 (hg19) VCF-style: chr10-27313470-GT-G.
Other names: c.3987del, p.Glu1329fs (NM_001256053.2); short protein forms E1330fs, E1329fs.
Identifiers: ClinVar variation 4734142 (VCV004734142.1).

ClinVar aggregate classification (germline): Uncertain significance (1 of 4 stars; one submission).

Submission:

Labcorp Genetics (formerly Invitae), Labcorp
Classification: Uncertain significance. Last evaluated: 2026-01-24. Review status: criteria provided, single submitter. Criteria: Invitae Variant Classification Sherloc (09022015). Collection method: clinical testing. Allele origin: germline.
Comment: This sequence change creates a premature translational stop signal (p.Glu1330Aspfs*3) in the ANKRD26 gene. It is expected to result in an absent or disrupted protein product. However, the current clinical and genetic evidence is not sufficient to establish whether loss-of-function variants in ANKRD26 cause disease. This variant is not present in population databases (gnomAD no frequency). This variant has not been reported in the literature in individuals affected with ANKRD26-related conditions. In summary, the available evidence is currently insufficient to determine the role of this variant in disease. Therefore, it has been classified as a Variant of Uncertain Significance.